The following is an entry in ClinVar:

NM_001127208.3(TET2):c.1244T>C (p.Val415Ala)

Genes: TET2-AS1 (TET2 antisense RNA 1; minus strand), TET2 (tet methylcytosine dioxygenase 2; plus strand). Cytogenetic location: 4q24.
Variant type: single nucleotide variant.
Coding change: c.1244T>C on transcript NM_001127208.3 (MANE Select); coding-DNA position 1244, T replaced by C.
Protein change: p.Val415Ala; replaces valine 415 with alanine.
Molecular consequence: missense variant.
Genome position (GRCh38, 1-based): chr4:105,235,186, T>C. VCF-style: chr4-105235186-T-C. GRCh37 (hg19) VCF-style: chr4-106156343-T-C.
Other names: c.1244T>C, p.Val415Ala (NM_017628.4); short protein forms V415A.
Identifiers: ClinVar variation 3455338 (VCV003455338.1).

ClinVar aggregate classification (germline): Uncertain significance (1 of 4 stars; one submission).

Submission:

Ambry Genetics
Classification: Uncertain significance. Last evaluated: 2024-11-26. Review status: criteria provided, single submitter. Criteria: Ambry Variant Classification Scheme 2023. Collection method: clinical testing. Allele origin: germline.
Comment: The p.V415A variant (also known as c.1244T>C), located in coding exon 1 of the TET2 gene, results from a T to C substitution at nucleotide position 1244. The valine at codon 415 is replaced by alanine, an amino acid with similar properties. This amino acid position is conserved. In addition, this alteration is predicted to be tolerated by in silico analysis. Based on the available evidence, the clinical significance of this variant remains unclear.